The following is an entry in ClinVar:

NM_000492.4(CFTR):c.*1251C>T

Gene: CFTR (CF transmembrane conductance regulator; plus strand). Cytogenetic location: 7q31.2.
Variant type: single nucleotide variant.
Coding change: c.*1251C>T on transcript NM_000492.4 (MANE Select); 1251 bases downstream of the stop codon, C replaced by T.
Molecular consequence: 3 prime UTR variant.
Genome position (GRCh38, 1-based): chr7:117,668,359, C>T. VCF-style: chr7-117668359-C-T. GRCh37 (hg19) VCF-style: chr7-117308413-C-T.
Identifiers: ClinVar variation 358748 (VCV000358748.7), dbSNP rs1042180, ClinGen allele CA10628145.
Genomic context (GRCh38, chr7:117,668,359, plus strand): 5'-TACATTTGTATAAAATAATTTTTATATTTGAAATATTGACTTTTTATGGCACTAGTATTT[C>T]TATGAAATATTATGTTAAAACTGGGACAGGGGAGAACCTAGGGTGATATTAACCAGGGGC-3'

ClinVar aggregate classification (germline): Benign/Likely benign. Review status: criteria provided, multiple submitters, no conflicts (2 of 4 stars). 3 submissions from 3 submitters: Benign (2); Likely benign (1). Last evaluated 2024-11-27.

Conditions:
CFTR-related disorder (CFTR-RD). Also called: CFTR-related disorders; CFTR-related condition. Identifiers: MedGen C5924204, MONDO:7770004.

Allele frequency attached by ClinVar (database versions not stated): 1000 Genomes Project 0.18730; 1000 Genomes Project 30x 0.18910; TOPMed 0.21456; gnomAD 0.23279 and 0.23653; gnomAD exomes 0.27778.
gnomAD v4.1: 35,334 of 151,942 alleles (23%); highest among the groups gnomAD compares: African/African-American, 25%; 4,425 homozygotes.

Submissions (3):

Blueprint Genetics
Classification: Likely benign. Last evaluated: 2024-11-27. Review status: criteria provided, single submitter. Criteria: ACMG Guidelines, 2015. Collection method: clinical testing. Allele origin: germline.

Illumina Laboratory Services, Illumina
Classification: Benign for CFTR-Related Disorders. Last evaluated: 2018-01-12. Review status: criteria provided, single submitter. Criteria: ICSL Variant Classification Criteria 13 December 2019. Collection method: clinical testing. Allele origin: germline.
Comment: This variant was observed in the ICSL laboratory as part of a predisposition screen in an ostensibly healthy population. It had not been previously curated by ICSL or reported in the Human Gene Mutation Database (HGMD: prior to June 1st, 2018), and was therefore a candidate for classification through an automated scoring system. Utilizing variant allele frequency, disease prevalence and penetrance estimates, and inheritance mode, an automated score was calculated to assess if this variant is too frequent to cause the disease. Based on the score and internal cut-off values, a variant classified as benign is not then subjected to further curation. The score for this variant resulted in a classification of benign for this disease.

Breakthrough Genomics
Classification: Benign. Review status: criteria provided, single submitter. Criteria: ACMG Guidelines, 2015. Collection method: not provided. Allele origin: germline. Inheritance: Autosomal recessive inheritance. Affected: yes.